The following is an entry in ClinVar:

ClinVar aggregate classification (germline): Uncertain significance (1 of 4 stars; one submission).

Conditions:
Kabuki syndrome. Also called: NIIKAWA-KUROKI SYNDROME; Kabuki make-up syndrome. Identifiers: Orphanet 2322, MedGen C0796004, MONDO:0016512.

gnomAD v4.1: 2 of 1,613,706 alleles (0.00012%); highest among the groups gnomAD compares: Admixed American, 0.0017%; no homozygotes.

Submission:

Labcorp Genetics (formerly Invitae), Labcorp
Classification: Uncertain significance for Kabuki syndrome. Last evaluated: 2025-07-22. Review status: criteria provided, single submitter. Criteria: Invitae Variant Classification Sherloc (09022015). Collection method: clinical testing. Allele origin: germline.
Comment: This sequence change replaces glycine, which is neutral and non-polar, with serine, which is neutral and polar, at codon 3366 of the KMT2D protein (p.Gly3366Ser). This variant is present in population databases (rs538227733, gnomAD 0.003%). This variant has not been reported in the literature in individuals affected with KMT2D-related conditions. Invitae Evidence Modeling of protein sequence and biophysical properties (such as structural, functional, and spatial information, amino acid conservation, physicochemical variation, residue mobility, and thermodynamic stability) indicates that this missense variant is not expected to disrupt KMT2D protein function with a negative predictive value of 95%. In summary, the available evidence is currently insufficient to determine the role of this variant in disease. Therefore, it has been classified as a Variant of Uncertain Significance.

NM_003482.4(KMT2D):c.10096G>A (p.Gly3366Ser)

Gene: KMT2D (lysine methyltransferase 2D; minus strand). Cytogenetic location: 12q13.12.
Variant type: single nucleotide variant.
Coding change: c.10096G>A on transcript NM_003482.4 (MANE Select); coding-DNA position 10096, G replaced by A.
Protein change: p.Gly3366Ser; replaces glycine 3366 with serine.
Molecular consequence: missense variant.
Genome position (GRCh38, 1-based): chr12:49,037,260, C>T on the plus strand (G>A on the coding strand, the complement: KMT2D is on the minus strand). VCF-style: chr12-49037260-C-T. GRCh37 (hg19) VCF-style: chr12-49431043-C-T.
Other names: short protein forms G3366S.
Identifiers: ClinVar variation 4801215 (VCV004801215.1).
Genomic context (GRCh38, chr12:49,037,260, plus strand): 5'-GCATGGTGCCCATGGGCTTCTGTGATAGCACTGGCTGTGAGCTCTGCTGGGGTACCAAGC[C>T]TGCCTGCCCTCCATGCTGCCCACTTAGCATATGCCCTTGATTGGACACCATAGCCATGGA-3'
Protein context (NP_003473.3, residues 3356-3376): MLSGQHGGQA[Gly3366Ser]LVPQQSSQPV